The following is an entry in ClinVar:

NM_000540.3(RYR1):c.7444+5A>G

Gene: RYR1 (ryanodine receptor 1; plus strand). Cytogenetic location: 19q13.2.
Variant type: single nucleotide variant.
Coding change: c.7444+5A>G on transcript NM_000540.3 (MANE Select); 5 bases into the intron after coding-DNA position 7444, A replaced by G.
Molecular consequence: intron variant.
Genome position (GRCh38, 1-based): chr19:38,500,731, A>G. VCF-style: chr19-38500731-A-G. GRCh37 (hg19) VCF-style: chr19-38991371-A-G.
Other names: c.7444+5A>G (NM_001042723.2).
Identifiers: ClinVar variation 493258 (VCV000493258.44), dbSNP rs775251569, ClinGen allele CA069654.

ClinVar aggregate classification (germline): Uncertain significance. Review status: criteria provided, multiple submitters, no conflicts (2 of 4 stars). 2 submissions from 2 submitters: Uncertain significance (2). Last evaluated 2024-06-09.

Conditions:
Malignant hyperthermia, susceptibility to, 1 (MHS1). Also called: Malignant hyperthermia suceptibility 1; Anesthesia related hyperthermia; Malignant hyperpyrexia; Fulminating hyperpyrexia; Pharmacogenic myopathy; RYR1-Related Malignant Hyperthermia Susceptibility. Identifiers: Orphanet 423, MedGen C2930980, MONDO:0007783, OMIM 145600.

Allele frequency attached by ClinVar (database versions not stated): gnomAD exomes below 0.00001 and 0.00001; ExAC 0.00001.
gnomAD v4.1: 3 of 1,614,144 alleles (0.00019%); highest among the groups gnomAD compares: Middle Eastern, 0.017%; no homozygotes.

Submissions (2):

All of Us Research Program, National Institutes of Health
Classification: Uncertain significance for Malignant hyperthermia, susceptibility to, 1. Last evaluated: 2024-06-09. Review status: criteria provided, single submitter. Criteria: ACMG Guidelines, 2015. Collection method: clinical testing. Allele origin: germline. Inheritance: Autosomal dominant inheritance. Observed: 1 variant allele, 1 heterozygote.
Comment: This variant causes an A to G nucleotide substitution at the +5 position of intron 46 of the RYR1 gene. To our knowledge, functional studies have not been reported for this variant. This variant has not been reported in individuals affected with RYR1-related disorders in the literature. This variant has been identified in 1/251152 chromosomes in the general population by the Genome Aggregation Database (gnomAD). The available evidence is insufficient to determine the role of this variant in disease conclusively. Therefore, this variant is classified as a Variant of Uncertain Significance.

This study involves interpretation of variants in research participants for the purpose of population health screening. Participant phenotype was not available at the time of variant classification. Additional details can be found in publication PMID: 35346344, PMCID: PMC8962531

CeGaT Center for Human Genetics Tuebingen
Classification: Uncertain significance. Last evaluated: 2017-10-01. Review status: criteria provided, single submitter. Criteria: CeGaT Center For Human Genetics Tuebingen Variant Classification Criteria Version 2. Collection method: clinical testing. Allele origin: germline. Affected: yes. Observed: 1 variant allele.